The following is an entry in ClinVar:

NM_172245.4(CSF2RA):c.953A>T (p.Asp318Val)

Gene: CSF2RA (colony stimulating factor 2 receptor subunit alpha; plus strand). Cytogenetic location: Xp22.33.
Variant type: single nucleotide variant.
Coding change: c.953A>T on transcript NM_172245.4 (MANE Select); coding-DNA position 953, A replaced by T.
Protein change: p.Asp318Val; replaces aspartic acid 318 with valine.
Molecular consequence: missense variant. On other transcripts: non-coding transcript variant (1), intron variant (7).
Genome position (GRCh38, 1-based): chrX:1,303,929, A>T. VCF-style: chrX-1303929-A-T. GRCh37 (hg19) VCF-style: chrX-1422822-A-T.
Other names: c.953A>T, p.Asp318Val (NM_001161529.2, NM_001161531.2, NM_001379155.1 and 9 more transcripts); c.1055A>T, p.Asp352Val (NM_001161530.2, NM_001379153.1, NM_001379154.1); c.554A>T, p.Asp185Val (NM_001161532.2); c.923A>T, p.Asp308Val (NM_001379160.1); c.947-1517A>T (NM_001379167.1, NM_001379169.1, NM_172247.3 and 1 more transcripts); c.946+3303A>T (NM_172246.4); c.647-1517A>T (NM_172249.4); c.855-1517A>T (NM_001379166.1); short protein forms D318V, D352V, D185V, D308V.
Identifiers: ClinVar variation 469627 (VCV000469627.7), dbSNP rs374398870, ClinGen allele CA10331120.
Genomic context (GRCh38, chrX:1,303,929, plus strand): 5'-TTTCACATGTCCGTCAACGATTCACCGCAGACGCAAACCTGTGTGTCTCTCCAGGTTCTG[A>T]CGACGGGAACCTCGGCTCTGTGTACATTTATGTGCTCCTAATCGTGGGAACCCTTGTCTG-3'
Protein context (NP_758448.1, residues 308-328): SWSEAIEFGS[Asp318Val]DGNLGSVYIY

ClinVar aggregate classification (germline): Uncertain significance (1 of 4 stars; one submission).

Conditions:
Surfactant metabolism dysfunction, pulmonary, 4 (SMDP4). Also called: CSF2RA DEFICIENCY; PAP DUE TO CSF2RA DEFICIENCY; PULMONARY ALVEOLAR PROTEINOSIS, CONGENITAL, 4. Identifiers: Orphanet 264675, MedGen C2677877, MONDO:0010424, OMIM 300770.

Allele frequency attached by ClinVar (database versions not stated): ExAC 0.00002; gnomAD exomes 0.00003 and 0.00001; ESP Exome Variant Server 0.00008; gnomAD 0.00017 and 0.00019; TOPMed 0.00018.
gnomAD v4.1: 41 of 1,613,444 alleles (0.0025%); highest among the groups gnomAD compares: African/African-American, 0.052%; no homozygotes.

Submission:

Labcorp Genetics (formerly Invitae), Labcorp
Classification: Uncertain significance for Surfactant metabolism dysfunction, pulmonary, 4. Last evaluated: 2022-05-31. Review status: criteria provided, single submitter. Criteria: Invitae Variant Classification Sherloc (09022015). Collection method: clinical testing. Allele origin: germline.
Comment: This sequence change replaces aspartic acid, which is acidic and polar, with valine, which is neutral and non-polar, at codon 318 of the CSF2RA protein (p.Asp318Val). This variant is present in population databases (no rsID available, gnomAD 0.05%). This variant has not been reported in the literature in individuals affected with CSF2RA-related conditions. ClinVar contains an entry for this variant (Variation ID: 469627). Algorithms developed to predict the effect of missense changes on protein structure and function are either unavailable or do not agree on the potential impact of this missense change (SIFT: "Tolerated"; PolyPhen-2: "Not Available"; Align-GVGD: "Class C0"). In summary, the available evidence is currently insufficient to determine the role of this variant in disease. Therefore, it has been classified as a Variant of Uncertain Significance.